The following is an entry in ClinVar:

ClinVar aggregate classification (germline): Uncertain significance. Review status: criteria provided, multiple submitters, no conflicts (2 of 4 stars). 2 submissions from 2 submitters: Uncertain significance (2). Last evaluated 2025-08-01.

Conditions:
MHC class II deficiency. Also called: Bare lymphocyte syndrome 2; BLS, TYPE II. Identifiers: Orphanet 572, MedGen C5447452, MONDO:0008855.
Inborn genetic diseases. Identifiers: MedGen C0950123, MeSH D030342.

Allele frequency attached by ClinVar (database versions not stated): gnomAD exomes 0.00001; ExAC 0.00003.
gnomAD v4.1: 10 of 1,581,416 alleles (0.00063%); highest among the groups gnomAD compares: South Asian, 0.0011%; no homozygotes.

Submissions (2):

Ambry Genetics
Classification: Uncertain significance for Inborn genetic diseases. Last evaluated: 2025-08-01. Review status: criteria provided, single submitter. Criteria: Ambry Variant Classification Scheme 2023. Collection method: clinical testing. Allele origin: germline.

Labcorp Genetics (formerly Invitae), Labcorp
Classification: Uncertain significance for MHC class II deficiency. Last evaluated: 2022-10-24. Review status: criteria provided, single submitter. Criteria: Invitae Variant Classification Sherloc (09022015). Collection method: clinical testing. Allele origin: germline.
Comment: This sequence change replaces valine, which is neutral and non-polar, with methionine, which is neutral and non-polar, at codon 877 of the CIITA protein (p.Val877Met). The frequency data for this variant in the population databases is considered unreliable, as metrics indicate poor data quality at this position in the gnomAD database. This variant has not been reported in the literature in individuals affected with CIITA-related conditions. Algorithms developed to predict the effect of missense changes on protein structure and function are either unavailable or do not agree on the potential impact of this missense change (SIFT: "Deleterious"; PolyPhen-2: "Probably Damaging"; Align-GVGD: "Class C15"). In summary, the available evidence is currently insufficient to determine the role of this variant in disease. Therefore, it has been classified as a Variant of Uncertain Significance.

NM_000246.4(CIITA):c.2629G>A (p.Val877Met)

Gene: CIITA (class II major histocompatibility complex transactivator; plus strand). Cytogenetic location: 16p13.13.
Variant type: single nucleotide variant.
Coding change: c.2629G>A on transcript NM_000246.4 (MANE Select); coding-DNA position 2629, G replaced by A.
Protein change: p.Val877Met; replaces valine 877 with methionine.
Molecular consequence: missense variant. On other transcripts: intron variant (1).
Genome position (GRCh38, 1-based): chr16:10,908,121, G>A. VCF-style: chr16-10908121-G-A. GRCh37 (hg19) VCF-style: chr16-11001978-G-A.
Other names: c.2632G>A, p.Val878Met (NM_001286402.1, NM_001379332.1); c.2485G>A, p.Val829Met (NM_001379330.1); c.2482G>A, p.Val828Met (NM_001379331.1); c.2629G>A, p.Val877Met (NM_001379333.1); c.2560G>A, p.Val854Met (NM_001379334.1); c.860-862G>A (NM_001286403.2); short protein forms V854M, V878M, V877M, V828M, V829M.
Identifiers: ClinVar variation 2065154 (VCV002065154.2), dbSNP rs772620752, ClinGen allele CA7900422.